The following is an entry in ClinVar:

NM_021930.6(RINT1):c.18G>C (p.Glu6Asp)

Gene: RINT1 (RAD50 interactor 1; plus strand). Cytogenetic location: 7q22.3.
Variant type: single nucleotide variant.
Coding change: c.18G>C on transcript NM_021930.6 (MANE Select); coding-DNA position 18, G replaced by C.
Protein change: p.Glu6Asp; replaces glutamic acid 6 with aspartic acid.
Molecular consequence: missense variant. On other transcripts: 5 prime UTR variant (4), non-coding transcript variant (1).
Genome position (GRCh38, 1-based): chr7:105,532,333, G>C. VCF-style: chr7-105532333-G-C. GRCh37 (hg19) VCF-style: chr7-105172780-G-C.
Other names: c.-80G>C (NM_001346599.2); c.-1002G>C (NM_001346600.2); c.-905G>C (NM_001346601.2); c.-525G>C (NM_001346603.2); short protein forms E6D.
Identifiers: ClinVar variation 5028288 (VCV005028288.1).

ClinVar aggregate classification (germline): Uncertain significance (1 of 4 stars; one submission).

Submission:

Ambry Genetics
Classification: Uncertain significance. Last evaluated: 2026-08-04. Review status: criteria provided, single submitter. Criteria: Ambry Variant Classification Scheme 2023. Collection method: clinical testing. Allele origin: germline.
Comment: The p.E6D variant (also known as c.18G>C), located in coding exon 1 of the RINT1 gene, results from a G to C substitution at nucleotide position 18. The glutamic acid at codon 6 is replaced by aspartic acid, an amino acid with highly similar properties. This amino acid position is conserved. In addition, this alteration is predicted to be tolerated by in silico analysis. Based on the available evidence, the clinical significance of this variant remains unclear.